The following is an entry in ClinVar:

ClinVar aggregate classification (germline): Uncertain significance (1 of 4 stars; one submission).

Conditions:
Cardiovascular phenotype. Identifiers: MedGen CN230736.

Submission:

Ambry Genetics
Classification: Uncertain significance for Cardiovascular phenotype. Last evaluated: 2024-06-09. Review status: criteria provided, single submitter. Criteria: Ambry Variant Classification Scheme 2023. Collection method: clinical testing. Allele origin: germline.
Comment: The p.W143C variant (also known as c.429G>C), located in coding exon 4 of the TECRL gene, results from a G to C substitution at nucleotide position 429. The tryptophan at codon 143 is replaced by cysteine, an amino acid with highly dissimilar properties. This amino acid position is conserved. In addition, this alteration is predicted to be deleterious by in silico analysis. Based on the available evidence, the clinical significance of this variant remains unclear.

NM_001010874.5(TECRL):c.429G>C (p.Trp143Cys)

Gene: TECRL (trans-2,3-enoyl-CoA reductase like; minus strand). Cytogenetic location: 4q13.1.
Variant type: single nucleotide variant.
Coding change: c.429G>C on transcript NM_001010874.5 (MANE Select); coding-DNA position 429, G replaced by C.
Protein change: p.Trp143Cys; replaces tryptophan 143 with cysteine.
Molecular consequence: missense variant.
Genome position (GRCh38, 1-based): chr4:64,322,695, C>G on the plus strand (G>C on the coding strand, the complement: TECRL is on the minus strand). VCF-style: chr4-64322695-C-G. GRCh37 (hg19) VCF-style: chr4-65188413-C-G.
Other names: c.429G>C, p.Trp143Cys (NM_001363796.1); short protein forms W143C.
Identifiers: ClinVar variation 3325222 (VCV003325222.1).